The following is an entry in ClinVar:

NM_000548.5(TSC2):c.1121C>G (p.Thr374Ser)

Gene: TSC2 (TSC complex subunit 2; plus strand). Cytogenetic location: 16p13.3.
Variant type: single nucleotide variant.
Coding change: c.1121C>G on transcript NM_000548.5 (MANE Select); coding-DNA position 1121, C replaced by G.
Protein change: p.Thr374Ser; replaces threonine 374 with serine.
Molecular consequence: missense variant.
Genome position (GRCh38, 1-based): chr16:2,061,872, C>G. VCF-style: chr16-2061872-C-G. GRCh37 (hg19) VCF-style: chr16-2111873-C-G.
Other names: c.1121C>G, p.Thr374Ser (NM_001077183.3, NM_001114382.3, NM_001363528.2 and 3 more transcripts); c.1010C>G, p.Thr337Ser (NM_001318827.2); c.974C>G, p.Thr325Ser (NM_001318829.2); c.521C>G, p.Thr174Ser (NM_001318831.2); c.1154C>G, p.Thr385Ser (NM_001318832.2); short protein forms T374S, T174S, T337S, T385S, T325S.
Identifiers: ClinVar variation 467845 (VCV000467845.18), dbSNP rs1440918649, ClinGen allele CA394319747.

ClinVar aggregate classification (germline): Conflicting classifications of pathogenicity. Review status: criteria provided, conflicting classifications (1 of 4 stars). 4 submissions from 4 submitters: Uncertain significance (3); Likely benign (1). Last evaluated 2025-11-01.

Conditions:
Hereditary cancer-predisposing syndrome. Also called: Hereditary neoplastic syndrome; Tumor predisposition; Neoplastic Syndromes, Hereditary; Hereditary Cancer Syndrome. Identifiers: Orphanet 140162, MedGen C0027672, MeSH D009386, MONDO:0015356.
Tuberous sclerosis 2 (TSC2). Identifiers: Orphanet 805, MedGen C1860707, MONDO:0013199, OMIM 613254.
Tuberous sclerosis syndrome (TSC). Also called: Tuberous Sclerosis Complex; Tuberous sclerosis. Identifiers: Orphanet 805, MedGen C0041341, MONDO:0001734.

Allele frequency attached by ClinVar (database versions not stated): TOPMed 0.00001; gnomAD exomes below 0.00001.
gnomAD v4.1: 1 of 1,614,106 alleles (0.000062%); highest among the groups gnomAD compares: Non-Finnish European, 0.000085%; no homozygotes.

Submissions (4):

CeGaT Center for Human Genetics Tuebingen
Classification: Uncertain significance. Last evaluated: 2025-11-01. Review status: criteria provided, single submitter. Criteria: CeGaT Center For Human Genetics Tuebingen Variant Classification Criteria Version 2. Collection method: clinical testing. Allele origin: germline. Affected: yes. Observed: 1 variant allele.
Comment: TSC2: PM2, BP4

Labcorp Genetics (formerly Invitae), Labcorp
Classification: Uncertain significance for Tuberous sclerosis 2. Last evaluated: 2024-03-18. Review status: criteria provided, single submitter. Criteria: Invitae Variant Classification Sherloc (09022015). Collection method: clinical testing. Allele origin: germline.
Comment: This sequence change replaces threonine, which is neutral and polar, with serine, which is neutral and polar, at codon 374 of the TSC2 protein (p.Thr374Ser). This variant is present in population databases (no rsID available, gnomAD 0.0009%). This variant has not been reported in the literature in individuals affected with TSC2-related conditions. ClinVar contains an entry for this variant (Variation ID: 467845). Algorithms developed to predict the effect of missense changes on protein structure and function output the following: SIFT: "Not Available"; PolyPhen-2: "Benign"; Align-GVGD: "Not Available". The serine amino acid residue is found in multiple mammalian species, which suggests that this missense change does not adversely affect protein function. In summary, the available evidence is currently insufficient to determine the role of this variant in disease. Therefore, it has been classified as a Variant of Uncertain Significance.

All of Us Research Program, National Institutes of Health
Classification: Uncertain significance for Tuberous sclerosis syndrome. Last evaluated: 2022-12-05. Review status: criteria provided, single submitter. Criteria: ACMG Guidelines, 2015. Collection method: clinical testing. Allele origin: germline. Inheritance: Autosomal dominant inheritance. Observed: 1 variant allele, 1 heterozygote.
Comment: This missense variant replaces threonine with serine at codon 374 of the TSC2 protein. Computational prediction suggests that this variant may not impact protein structure and function (internally defined REVEL score threshold <= 0.5, PMID: 27666373). To our knowledge, functional studies have not been reported for this variant. This variant has not been reported in individuals affected with tuberous sclerosis complex in the literature. This variant has been identified in 1/251244 chromosomes in the general population by the Genome Aggregation Database (gnomAD). The available evidence is insufficient to determine the role of this variant in disease conclusively. Therefore, this variant is classified as a Variant of Uncertain Significance.

This study involves interpretation of variants in research participants for the purpose of population health screening. Participant phenotype was not available at the time of variant classification. Additional details can be found in publication PMID: 35346344, PMCID: PMC8962531

Ambry Genetics
Classification: Likely benign for Hereditary cancer-predisposing syndrome. Last evaluated: 2022-06-12. Review status: criteria provided, single submitter. Criteria: Ambry Variant Classification Scheme 2023. Collection method: clinical testing. Allele origin: germline.